The following is an entry in ClinVar:

NM_001006658.3(CR2):c.2155+7del

Gene: CR2 (complement C3d receptor 2; plus strand). Cytogenetic location: 1q32.2.
Variant type: Deletion.
Coding change: c.2155+7del on transcript NM_001006658.3 (MANE Select); 7 bases into the intron after coding-DNA position 2155, one base deleted (T; older notation c.2155+7delT).
Molecular consequence: intron variant.
Genome position (GRCh38, 1-based): chr1:207,473,728, T deleted; the last of 3 consecutive T bases (chr1:207,473,726-207,473,728); deleting any one gives the same sequence. VCF-style (leftmost placement, unchanged base first): chr1-207473725-CT-C. GRCh37 (hg19) VCF-style: chr1-207647070-CT-C.
Other names: c.1979-73del (NM_001877.5); c.2155+7del (NM_001006658.2).
Identifiers: ClinVar variation 794880 (VCV000794880.13), dbSNP rs757509836, ClinGen allele CA1368890.

ClinVar aggregate classification (germline): Likely benign. Review status: criteria provided, multiple submitters, no conflicts (2 of 4 stars). 3 submissions from 3 submitters: Likely benign (2). 1 of the submissions does not count toward it. Last evaluated 2026-01-06.

Conditions:
Immunodeficiency, common variable, 7. Identifiers: Orphanet 1572, Orphanet 696894, MedGen C3542922, MONDO:0013862, OMIM 614699.
CR2-related disorder. Also called: CR2-related condition; CR2-related disorders.

Submissions (3):

Labcorp Genetics (formerly Invitae), Labcorp
Classification: Likely benign for Immunodeficiency, common variable, 7. Last evaluated: 2026-01-06. Review status: criteria provided, single submitter. Criteria: Invitae Variant Classification Sherloc (09022015). Collection method: clinical testing. Allele origin: germline.

Blueprint Genetics
Classification: Likely benign. Last evaluated: 2024-11-25. Review status: criteria provided, single submitter. Criteria: ACMG Guidelines, 2015. Collection method: clinical testing. Allele origin: germline.

PreventionGenetics, part of Exact Sciences
Classification: Likely benign for CR2-related condition. Last evaluated: 2019-08-26. Review status: no assertion criteria provided. Collection method: clinical testing. Allele origin: germline. Not counted in ClinVar's aggregate classification.
Comment: This variant is classified as likely benign based on ACMG/AMP sequence variant interpretation guidelines (Richards et al. 2015 PMID: 25741868, with internal and published modifications).